The following is an entry in ClinVar:

NM_020549.5(CHAT):c.968G>A (p.Arg323His)

Gene: CHAT (choline O-acetyltransferase; plus strand). Cytogenetic location: 10q11.23.
Variant type: single nucleotide variant.
Coding change: c.968G>A on transcript NM_020549.5 (MANE Select); coding-DNA position 968, G replaced by A.
Protein change: p.Arg323His; replaces arginine 323 with histidine.
Molecular consequence: missense variant.
Genome position (GRCh38, 1-based): chr10:49,627,642, G>A. VCF-style: chr10-49627642-G-A. GRCh37 (hg19) VCF-style: chr10-50835688-G-A.
Other names: p.Arg323His; c.614G>A, p.Arg205His (NM_001142929.2, NM_001142934.2, NM_020984.4 and 2 more transcripts); c.722G>A, p.Arg241His (NM_001142933.2); short protein forms R205H, R323H, R241H.
Identifiers: ClinVar variation 582744 (VCV000582744.12), dbSNP rs200176236, ClinGen allele CA5497322.

ClinVar aggregate classification (germline): Conflicting classifications of pathogenicity. Review status: criteria provided, conflicting classifications (1 of 4 stars). 3 submissions from 3 submitters: Uncertain significance (2); Likely benign (1). Last evaluated 2026-01-24.

Conditions:
Familial infantile myasthenia (CMS6). Also called: MYASTHENIC SYNDROME, CONGENITAL, 6, PRESYNAPTIC; MYASTHENIC SYNDROME, PRESYNAPTIC, CONGENITAL, ASSOCIATED WITH EPISODIC APNEA; Congenital myasthenic syndrome type 6. Identifiers: Orphanet 590, MedGen C0393929, MONDO:0009689, OMIM 254210.

Allele frequency attached by ClinVar (database versions not stated): gnomAD 0.00006; TOPMed 0.00012; gnomAD exomes 0.00013.

Submissions (3):

Labcorp Genetics (formerly Invitae), Labcorp
Classification: Likely benign for Familial infantile myasthenia. Last evaluated: 2026-01-24. Review status: criteria provided, single submitter. Criteria: Invitae Variant Classification Sherloc (09022015). Collection method: clinical testing. Allele origin: germline.

Mayo Clinic Laboratories, Mayo Clinic
Classification: Uncertain significance. Last evaluated: 2025-10-19. Review status: criteria provided, single submitter. Criteria: ACMG Guidelines, 2015. Collection method: clinical testing. Allele origin: germline. Observed: 1 variant allele.
Comment: PP3, PM2_supporting

GeneDx
Classification: Uncertain significance. Last evaluated: 2025-02-27. Review status: criteria provided, single submitter. Criteria: GeneDx Variant Classification Process June 2021. Collection method: clinical testing. Allele origin: germline. Affected: yes.
Comment: In silico analysis supports that this missense variant has a deleterious effect on protein structure/function; Has not been previously published as pathogenic or benign to our knowledge; This variant is associated with the following publications: (PMID: 26080897)